The following is an entry in ClinVar:

NM_007294.4(BRCA1):c.302-15C>G

Gene: BRCA1 (BRCA1 DNA repair associated; minus strand). Cytogenetic location: 17q21.31.
Variant type: single nucleotide variant.
Coding change: c.302-15C>G on transcript NM_007294.4 (MANE Select); 15 bases into the intron before coding-DNA position 302, C replaced by G.
Molecular consequence: intron variant.
Genome position (GRCh38, 1-based): chr17:43,104,276, G>C on the plus strand (C>G on the coding strand, the complement: BRCA1 is on the minus strand). VCF-style: chr17-43104276-G-C. GRCh37 (hg19) VCF-style: chr17-41256293-G-C.
Other names: c.92-15C>G (NM_001407898.1, NM_001407881.1, NM_001407885.1 and 58 more transcripts); c.161-15C>G (NM_001407932.1, NM_001408498.1, NM_001407928.1 and 99 more transcripts); c.224-15C>G (NM_001408475.1, NM_001407875.1, NM_001407659.1 and 21 more transcripts); c.-218-9416C>G (NM_001407967.1, NM_001407966.1); c.-80-15C>G (NM_001407959.1, NM_001407962.1, NM_001408512.1 and 4 more transcripts); c.302-15C>G (NM_001407686.1, NM_001408397.1, NM_001407632.1 and 164 more transcripts); c.170-15C>G (NM_001408451.1); c.293-15C>G (NM_001408408.1, NM_001407647.1, NM_001407646.1).
Identifiers: ClinVar variation 380609 (VCV000380609.12), dbSNP rs1057520871, ClinGen allele CA16607680.
Genomic context (GRCh38, chr17:43,104,276, plus strand): 5'-TCAGGAGAGTTATTTTCCTTTTTTGCAAAATTATAGCTGTTTGCATCTGTAAAATACAAG[G>C]GAAAACATTATGTTTGCAGTTAGAGAAAAATGTATGAATTATAATCAAAGAAACCAAGAG-3'

ClinVar aggregate classification (germline): Likely benign. Review status: criteria provided, multiple submitters, no conflicts (2 of 4 stars). 3 submissions from 3 submitters: Likely benign (3). Last evaluated 2026-01-12.

Conditions:
Hereditary cancer-predisposing syndrome. Also called: Tumor predisposition; Hereditary neoplastic syndrome; Neoplastic Syndromes, Hereditary; Hereditary Cancer Syndrome. Identifiers: Orphanet 140162, MedGen C0027672, MeSH D009386, MONDO:0015356.
Hereditary breast ovarian cancer syndrome. Also called: Hereditary breast and/or ovarian cancer syndrome; Hereditary breast and ovarian cancer syndrome; Hereditary breast and ovarian cancer syndrome (HBOC); Hereditary breast and ovarian cancer; BRCA1- and BRCA2-Associated Hereditary Breast and Ovarian Cancer; Breast and ovarian cancer. Identifiers: Orphanet 145, MedGen C0677776, MeSH D061325, MONDO:0003582. Disease mechanism: loss of function.

Allele frequency attached by ClinVar (database versions not stated): TOPMed below 0.00001.

Submissions (3):

Labcorp Genetics (formerly Invitae), Labcorp
Classification: Likely benign for Hereditary breast ovarian cancer syndrome. Last evaluated: 2026-01-12. Review status: criteria provided, single submitter. Criteria: Invitae Variant Classification Sherloc (09022015). Collection method: clinical testing. Allele origin: germline.

Color Diagnostics, LLC DBA Color Health
Classification: Likely benign for Hereditary cancer-predisposing syndrome. Last evaluated: 2018-04-20. Review status: criteria provided, single submitter. Criteria: ACMG Guidelines, 2015. Collection method: clinical testing. Allele origin: germline.

GeneDx
Classification: Likely benign. Last evaluated: 2015-09-11. Review status: criteria provided, single submitter. Criteria: GeneDx Variant Classification (06012015). Collection method: clinical testing. Allele origin: germline. Affected: yes.
Comment: This variant is considered likely benign or benign based on one or more of the following criteria: it is a conservative change, it occurs at a poorly conserved position in the protein, it is predicted to be benign by multiple in silico algorithms, and/or has population frequency not consistent with disease.